The following is an entry in ClinVar:

ClinVar aggregate classification (germline): Uncertain significance (1 of 4 stars; one submission).

Submission:

CeGaT Center for Human Genetics Tuebingen
Classification: Uncertain significance. Last evaluated: 2026-09-01. Review status: criteria provided, single submitter. Criteria: CeGaT Center For Human Genetics Tuebingen Variant Classification Criteria Version 2. Collection method: clinical testing. Allele origin: germline. Affected: yes. Observed: 1 variant allele.
Comment: SF1: PM2, PP2

NM_004630.4(SF1):c.161T>C (p.Val54Ala)

Gene: SF1 (splicing factor 1; minus strand). Cytogenetic location: 11q13.1.
Variant type: single nucleotide variant.
Coding change: c.161T>C on transcript NM_004630.4 (MANE Select); coding-DNA position 161, T replaced by C.
Protein change: p.Val54Ala; replaces valine 54 with alanine.
Molecular consequence: missense variant. On other transcripts: intron variant (2).
Genome position (GRCh38, 1-based): chr11:64,773,505, A>G on the plus strand (T>C on the coding strand, the complement: SF1 is on the minus strand). VCF-style: chr11-64773505-A-G. GRCh37 (hg19) VCF-style: chr11-64540977-A-G.
Other names: c.536T>C, p.Val179Ala (NM_001178030.2, NM_001378956.1, NM_001378957.1 and 2 more transcripts); c.83T>C, p.Val28Ala (NM_001178031.3, NM_001440584.1, NM_001440585.1); c.161T>C, p.Val54Ala (NM_001346363.2, NM_001346364.2, NM_001440582.1 and 4 more transcripts); c.-110+2993T>C (NM_001346409.2, NM_001346410.2); short protein forms V179A, V28A, V54A.
Identifiers: ClinVar variation 5041595 (VCV005041595.1).